The following is an entry in ClinVar:

NM_000350.3(ABCA4):c.2566T>A (p.Tyr856Asn)

Gene: ABCA4 (ATP binding cassette subfamily A member 4; minus strand). Cytogenetic location: 1p22.1.
Variant type: single nucleotide variant.
Coding change: c.2566T>A on transcript NM_000350.3 (MANE Select); coding-DNA position 2566, T replaced by A.
Protein change: p.Tyr856Asn; replaces tyrosine 856 with asparagine.
Molecular consequence: missense variant.
Genome position (GRCh38, 1-based): chr1:94,055,132, A>T on the plus strand (T>A on the coding strand, the complement: ABCA4 is on the minus strand). VCF-style: chr1-94055132-A-T. GRCh37 (hg19) VCF-style: chr1-94520688-A-T.
Other names: c.2344T>A, p.Tyr782Asn (NM_001425324.1); short protein forms Y856N, Y782N.
Identifiers: ClinVar variation 236518 (VCV000236518.6), dbSNP rs201223321, ClinGen allele CA10581651.
Genomic context (GRCh38, chr1:94,055,132, plus strand): 5'-GAACTCAATTACCTTTACCCTATAGAGGAGGATGCTTACCTGGAAACACCTGATCAAGGT[A>T]CCAAGCGAGTAAGCCATAGACAGCAGCATCAAGGAGCATCATCTGCATGGACAGCAGGAA-3'
Protein context (NP_000341.2, residues 846-866): DAAVYGLLAW[Tyr856Asn]LDQVFPGDYG

ClinVar aggregate classification (germline): Conflicting classifications of pathogenicity. Review status: criteria provided, conflicting classifications (1 of 4 stars). 5 submissions from 5 submitters: Likely pathogenic (1); Uncertain significance (3). 1 of the submissions does not count toward it. Last evaluated 2025-03-18.

Conditions:
Retinal dystrophy. Also called: Inherited retinal dystrophy. Identifiers: Orphanet 71862, MedGen C0854723, MeSH D058499, MONDO:0019118, HP:0000556.

Submissions (5):

Women's Health and Genetics/Laboratory Corporation of America, LabCorp
Classification: Uncertain significance. Last evaluated: 2025-03-18. Review status: criteria provided, single submitter. Criteria: LabCorp Variant Classification Summary - May 2015. Collection method: clinical testing. Allele origin: germline.
Comment: Variant summary: ABCA4 c.2566T>A (p.Tyr856Asn) results in a non-conservative amino acid change in the encoded protein sequence. Five of five in-silico tools predict a damaging effect of the variant on protein function. The variant was absent in 251408 control chromosomes (gnomAD). c.2566T>A has been reported in the literature in individuals affected with Stargardt Disease/inherited retinal disease (e.g. Ellingford_2016, Cornelis_2022). These data indicate that the variant may be associated with disease. To our knowledge, no experimental evidence demonstrating an impact on protein function has been reported. The following publications have been ascertained in the context of this evaluation (PMID: 27208204, 35120629). ClinVar contains an entry for this variant (Variation ID: 236518). Based on the evidence outlined above, the variant was classified as VUS-possibly pathogenic.

Labcorp Genetics (formerly Invitae), Labcorp
Classification: Uncertain significance. Last evaluated: 2024-12-30. Review status: criteria provided, single submitter. Criteria: Invitae Variant Classification Sherloc (09022015). Collection method: clinical testing. Allele origin: germline.
Comment: This sequence change replaces tyrosine, which is neutral and polar, with asparagine, which is neutral and polar, at codon 856 of the ABCA4 protein (p.Tyr856Asn). This variant is not present in population databases (gnomAD no frequency). This missense change has been observed in individual(s) with ABCA4-related conditions (PMID: 27208204, 35120629). ClinVar contains an entry for this variant (Variation ID: 236518). Invitae Evidence Modeling of protein sequence and biophysical properties (such as structural, functional, and spatial information, amino acid conservation, physicochemical variation, residue mobility, and thermodynamic stability) indicates that this missense variant is expected to disrupt ABCA4 protein function with a positive predictive value of 95%. In summary, the available evidence is currently insufficient to determine the role of this variant in disease. Therefore, it has been classified as a Variant of Uncertain Significance.

Blueprint Genetics
Classification: Uncertain significance. Last evaluated: 2020-11-03. Review status: criteria provided, single submitter. Criteria: ACMG Guidelines, 2015. Collection method: clinical testing. Allele origin: germline.

GeneDx
Classification: Likely pathogenic. Last evaluated: 2014-05-23. Review status: criteria provided, single submitter. Criteria: GeneDx Variant Classification (06012015). Collection method: clinical testing. Allele origin: germline. Affected: yes.
Comment: A variant that is likely pathogenic has been identified in the ABCA4 gene. The Y856N variant in the ABCA4 gene has not been reported as a pathogenic variant nor as a benign polymorphism to our knowledge. The Y856N variant was not observed in approximately 6,500 individuals of European and African American ancestry in an external variant database, indicating it is not a common benign variant in these populations.The Y856N variant is a conservative amino acid substitution, which is not likely to impact secondary protein structure as these residues share similar properties. This substitution occurs at a position that is conserved across species. Missense mutations in nearby residues (D846H, V849A, G851D, A854T) have been reported in the Human Gene Mutation Database in association with Stargardt disease (Lewis et al., 1999; Webster et al., 2001), supporting the functional importance of this region of the protein. Therefore, while this variant is a good candidate for a pathogenic variant, we cannot rule out that it is a rare benign polymorphism.

Centre for Genomic Medicine, Manchester, Central Manchester University Hospitals
Classification: Uncertain significance for Retinal dystrophy. Review status: no assertion criteria provided. Collection method: clinical testing. Allele origin: germline. Affected: yes. Not counted in ClinVar's aggregate classification.

Literature cited by the submitters: PubMed 27208204 (cited by Women's Health and Genetics/Laboratory Corporation of America, LabCorp and Labcorp Genetics (formerly Invitae), Labcorp); PubMed 35120629 (cited by Women's Health and Genetics/Laboratory Corporation of America, LabCorp and Labcorp Genetics (formerly Invitae), Labcorp).